The following is an entry in ClinVar:

ClinVar aggregate classification (germline): Likely benign. Review status: reviewed by expert panel (3 of 4 stars). 6 submissions from 6 submitters: Likely benign (1). 5 of the submissions do not count toward it. Last evaluated 2017-06-29.

Conditions:
Hereditary breast ovarian cancer syndrome. Also called: Hereditary breast and ovarian cancer; Hereditary breast and ovarian cancer syndrome; Breast and ovarian cancer; Hereditary breast and ovarian cancer syndrome (HBOC); Hereditary breast and/or ovarian cancer syndrome; BRCA1- and BRCA2-Associated Hereditary Breast and Ovarian Cancer. Identifiers: Orphanet 145, MedGen C0677776, MeSH D061325, MONDO:0003582. Disease mechanism: loss of function.
Hereditary cancer-predisposing syndrome. Also called: Hereditary Cancer Syndrome; Neoplastic Syndromes, Hereditary; Tumor predisposition; Hereditary neoplastic syndrome. Identifiers: Orphanet 140162, MedGen C0027672, MeSH D009386, MONDO:0015356.
Breast-ovarian cancer, familial, susceptibility to, 2 (BROVCA2). Also called: BRCA2 Hereditary Breast and Ovarian Cancer. Identifiers: Orphanet 145, MedGen C2675520, MONDO:0012933, OMIM 612555. Disease mechanism: loss of function.

Allele frequency attached by ClinVar (database versions not stated): TOPMed below 0.00001; gnomAD 0.00001.

Submissions (6):

Evidence-based Network for the Interpretation of Germline Mutant Alleles (ENIGMA)
Classification: Likely benign for Breast-ovarian cancer, familial, susceptibility to, 2. Last evaluated: 2017-06-29. Review status: reviewed by expert panel. Criteria: ENIGMA BRCA1/2 Classification Criteria (2017-06-29). Collection method: curation. Allele origin: germline.
Comment: Synonymous substitution variant, with low bioinformatic likelihood to result in a splicing aberration (Splicing prior probability 0.02).

Labcorp Genetics (formerly Invitae), Labcorp
Classification: Likely benign for Hereditary breast ovarian cancer syndrome. Last evaluated: 2024-11-27. Review status: criteria provided, single submitter. Criteria: Invitae Variant Classification Sherloc (09022015). Collection method: clinical testing. Allele origin: germline. Not counted in ClinVar's aggregate classification.

Women's Health and Genetics/Laboratory Corporation of America, LabCorp
Classification: Likely benign. Last evaluated: 2023-02-25. Review status: criteria provided, single submitter. Criteria: LabCorp Variant Classification Summary - May 2015. Collection method: clinical testing. Allele origin: germline. Not counted in ClinVar's aggregate classification.

Color Diagnostics, LLC DBA Color Health
Classification: Likely benign for Hereditary cancer-predisposing syndrome. Last evaluated: 2019-03-19. Review status: criteria provided, single submitter. Criteria: ACMG Guidelines, 2015. Collection method: clinical testing. Allele origin: germline. Not counted in ClinVar's aggregate classification.

GeneDx
Classification: Likely benign. Last evaluated: 2018-10-29. Review status: criteria provided, single submitter. Criteria: GeneDx Variant Classification Process June 2021. Collection method: clinical testing. Allele origin: germline. Affected: yes. Not counted in ClinVar's aggregate classification.

Ambry Genetics
Classification: Likely benign for Hereditary cancer-predisposing syndrome. Last evaluated: 2014-07-30. Review status: criteria provided, single submitter. Criteria: Ambry Variant Classification Scheme 2023. Collection method: clinical testing. Allele origin: germline. Not counted in ClinVar's aggregate classification.

NM_000059.4(BRCA2):c.6765A>G (p.Thr2255=)

Gene: BRCA2 (BRCA2 DNA repair associated; plus strand). Cytogenetic location: 13q13.1.
Variant type: single nucleotide variant.
Coding change: c.6765A>G on transcript NM_000059.4 (MANE Select); coding-DNA position 6765, A replaced by G.
Protein change: p.Thr2255=; no amino-acid change (threonine 2255 retained).
Molecular consequence: synonymous variant.
Genome position (GRCh38, 1-based): chr13:32,341,120, A>G. VCF-style: chr13-32341120-A-G. GRCh37 (hg19) VCF-style: chr13-32915257-A-G.
Identifiers: ClinVar variation 185717 (VCV000185717.24), dbSNP rs759293475, ClinGen allele CA024389.